The following is an entry in ClinVar:

ClinVar aggregate classification (germline): Pathogenic (1 of 4 stars; one submission).

Submission:

Labcorp Genetics (formerly Invitae), Labcorp
Classification: Pathogenic. Last evaluated: 2024-09-28. Review status: criteria provided, single submitter. Criteria: Invitae Variant Classification Sherloc (09022015). Collection method: clinical testing. Allele origin: germline.
Comment: This sequence change creates a premature translational stop signal (p.Gln356*) in the PEPD gene. It is expected to result in an absent or disrupted protein product. Loss-of-function variants in PEPD are known to be pathogenic (PMID: 8198124, 10721675, 12384772, 17142620). This variant is not present in population databases (gnomAD no frequency). This variant has not been reported in the literature in individuals affected with PEPD-related conditions. For these reasons, this variant has been classified as Pathogenic.

Literature cited by the submitters: PubMed 8198124; PubMed 10721675; PubMed 12384772; PubMed 17142620.

NM_000285.4(PEPD):c.1066C>T (p.Gln356Ter)

Gene: PEPD (peptidase D; minus strand). Cytogenetic location: 19q13.11.
Variant type: single nucleotide variant.
Coding change: c.1066C>T on transcript NM_000285.4 (MANE Select); coding-DNA position 1066, C replaced by T.
Protein change: p.Gln356Ter; replaces glutamine 356 with a stop codon.
Molecular consequence: nonsense.
Genome position (GRCh38, 1-based): chr19:33,391,381, G>A on the plus strand (C>T on the coding strand, the complement: PEPD is on the minus strand). VCF-style: chr19-33391381-G-A. GRCh37 (hg19) VCF-style: chr19-33882287-G-A.
Other names: c.943C>T, p.Gln315Ter (NM_001166056.2); c.874C>T, p.Gln292Ter (NM_001166057.2); short protein forms Q292*, Q315*, Q356*.
Identifiers: ClinVar variation 3721734 (VCV003721734.2).